The following is an entry in ClinVar:

NM_000083.3(CLCN1):c.2799T>G (p.Ser933=)

Gene: CLCN1 (chloride voltage-gated channel 1; plus strand). Cytogenetic location: 7q34.
Variant type: single nucleotide variant.
Coding change: c.2799T>G on transcript NM_000083.3 (MANE Select); coding-DNA position 2799, T replaced by G.
Protein change: p.Ser933=; no amino-acid change (serine 933 retained).
Molecular consequence: synonymous variant. On other transcripts: non-coding transcript variant (1).
Genome position (GRCh38, 1-based): chr7:143,351,797, T>G. VCF-style: chr7-143351797-T-G. GRCh37 (hg19) VCF-style: chr7-143048890-T-G.
Other names: c.2799T>G (NM_000083.2).
Identifiers: ClinVar variation 2936024 (VCV002936024.4), dbSNP rs1357088730, ClinGen allele CA458542341.

ClinVar aggregate classification (germline): Likely benign. Review status: criteria provided, multiple submitters, no conflicts (2 of 4 stars). 2 submissions from 2 submitters: Likely benign (2). Last evaluated 2025-10-30.

Conditions:
Congenital myotonia, autosomal dominant form (THD). Also called: THOMSEN DISEASE; Myotonia congenita autosomal dominant. Identifiers: Orphanet 614, MedGen C2936781, MONDO:0008055, OMIM 160800.
Congenital myotonia, autosomal recessive form. Also called: BECKER DISEASE; Becker Generalized Myotonia; myotonia congenita, autosomal recessive. Identifiers: Orphanet 614, MedGen C0751360, MONDO:0009715, OMIM 255700.

Allele frequency attached by ClinVar (database versions not stated): gnomAD exomes below 0.00001; gnomAD 0.00001.
gnomAD v4.1: 5 of 1,613,982 alleles (0.00031%); highest among the groups gnomAD compares: Non-Finnish European, 0.00042%; no homozygotes.

Submissions (2):

Athena Diagnostics
Classification: Likely benign. Last evaluated: 2025-10-30. Review status: criteria provided, single submitter. Criteria: Athena Diagnostics Criteria. Collection method: clinical testing. Allele origin: unknown.
Comment: Computational tools yielded predictions that this variant is unlikely to have an effect on normal RNA splicing. This nucleotide position exhibits low evolutionary conservation.

Labcorp Genetics (formerly Invitae), Labcorp
Classification: Likely benign for Congenital myotonia, autosomal recessive form; Congenital myotonia, autosomal dominant form. Last evaluated: 2025-08-18. Review status: criteria provided, single submitter. Criteria: Invitae Variant Classification Sherloc (09022015). Collection method: clinical testing. Allele origin: germline.